The following is an entry in ClinVar:

NM_014028.4(OSTM1):c.786G>C (p.Met262Ile)

Gene: OSTM1 (osteoclastogenesis associated transmembrane protein 1; minus strand). Cytogenetic location: 6q21.
Variant type: single nucleotide variant.
Coding change: c.786G>C on transcript NM_014028.4 (MANE Select); coding-DNA position 786, G replaced by C.
Protein change: p.Met262Ile; replaces methionine 262 with isoleucine.
Molecular consequence: missense variant.
Genome position (GRCh38, 1-based): chr6:108,049,416, C>G on the plus strand (G>C on the coding strand, the complement: OSTM1 is on the minus strand). VCF-style: chr6-108049416-C-G. GRCh37 (hg19) VCF-style: chr6-108370620-C-G.
Other names: short protein forms M262I.
Identifiers: ClinVar variation 1420232 (VCV001420232.5), dbSNP rs2114591407, ClinGen allele CA365327414.

ClinVar aggregate classification (germline): Uncertain significance (1 of 4 stars; one submission).

gnomAD v4.1: 4 of 1,613,302 alleles (0.00025%); highest among the groups gnomAD compares: Non-Finnish European, 0.00034%; no homozygotes.

Submission:

Labcorp Genetics (formerly Invitae), Labcorp
Classification: Uncertain significance. Last evaluated: 2021-08-26. Review status: criteria provided, single submitter. Criteria: Invitae Variant Classification Sherloc (09022015). Collection method: clinical testing. Allele origin: germline.
Comment: This sequence change replaces methionine with isoleucine at codon 262 of the OSTM1 protein (p.Met262Ile). The methionine residue is highly conserved and there is a small physicochemical difference between methionine and isoleucine. This variant is not present in population databases (ExAC no frequency). This variant has not been reported in the literature in individuals affected with OSTM1-related conditions. Algorithms developed to predict the effect of missense changes on protein structure and function are either unavailable or do not agree on the potential impact of this missense change (SIFT: "Deleterious"; PolyPhen-2: "Probably Damaging"; Align-GVGD: "Class C0"). In summary, the available evidence is currently insufficient to determine the role of this variant in disease. Therefore, it has been classified as a Variant of Uncertain Significance.